The following is an entry in ClinVar:

ClinVar aggregate classification (germline): Uncertain significance. Review status: criteria provided, multiple submitters, no conflicts (2 of 4 stars). 3 submissions from 3 submitters: Uncertain significance (3). Last evaluated 2024-11-10.

Conditions:
Cardiomyopathy (CMYO). Also called: Cardiomyopathies. Identifiers: Orphanet 167848, MedGen C0878544, MONDO:0004994, HP:0001638. Inheritance: Various modes of inheritance.
Arrhythmogenic right ventricular cardiomyopathy (ARVD). Also called: Arrhythmogenic right ventricular dysplasia; Cardiomyopathy, ARVC; Arrhythmogenic cardiomyopathy; Arrhythmogenic Right Ventricular Cardiomyopathy (ARVC). Identifiers: Orphanet 247, MedGen C0349788, MeSH D019571, MONDO:0016587. Disease mechanism: loss of function. Inheritance: Various modes of inheritance.
Cardiovascular phenotype. Identifiers: MedGen CN230736.

Submissions (3):

Ambry Genetics
Classification: Uncertain significance for Cardiovascular phenotype. Last evaluated: 2024-11-10. Review status: criteria provided, single submitter. Criteria: Ambry Variant Classification Scheme 2023. Collection method: clinical testing. Allele origin: germline.
Comment: The p.P500T variant (also known as c.1498C>A), located in coding exon 6 of the PKP2 gene, results from a C to A substitution at nucleotide position 1498. The proline at codon 500 is replaced by threonine, an amino acid with highly similar properties. This amino acid position is conserved. In addition, this alteration is predicted to be tolerated by in silico analysis. Based on the available evidence, the clinical significance of this variant remains unclear.

Color Diagnostics, LLC DBA Color Health
Classification: Uncertain significance for Cardiomyopathy. Last evaluated: 2024-03-06. Review status: criteria provided, single submitter. Criteria: ACMG Guidelines, 2015. Collection method: clinical testing. Allele origin: germline.
Comment: This missense variant replaces proline with threonine at codon 500 of the PKP2 protein. Computational prediction suggests that this variant may not impact protein structure and function (internally defined REVEL score threshold <= 0.5, PMID: 27666373). To our knowledge, functional studies have not been reported for this variant. This variant has not been reported in individuals affected with cardiovascular disorders in the literature. This variant has not been identified in the general population by the Genome Aggregation Database (gnomAD). The available evidence is insufficient to determine the role of this variant in disease conclusively. Therefore, this variant is classified as a Variant of Uncertain Significance.

All of Us Research Program, National Institutes of Health
Classification: Uncertain significance for Arrhythmogenic right ventricular cardiomyopathy. Last evaluated: 2023-11-30. Review status: criteria provided, single submitter. Criteria: ACMG Guidelines, 2015. Collection method: clinical testing. Allele origin: germline. Inheritance: Autosomal dominant inheritance. Observed: 1 variant allele, 1 heterozygote.
Comment: This missense variant replaces proline with threonine at codon 500 of the PKP2 protein. Computational prediction suggests that this variant may not impact protein structure and function (internally defined REVEL score threshold <= 0.5, PMID: 27666373). To our knowledge, functional studies have not been reported for this variant. This variant has not been reported in individuals affected with cardiovascular disorders in the literature. This variant has not been identified in the general population by the Genome Aggregation Database (gnomAD). The available evidence is insufficient to determine the role of this variant in disease conclusively. Therefore, this variant is classified as a Variant of Uncertain Significance.

This study involves interpretation of variants in research participants for the purpose of population health screening. Participant phenotype was not available at the time of variant classification. Additional details can be found in publication PMID: 35346344, PMCID: PMC8962531

NM_001005242.3(PKP2):c.1379-1989C>A

Gene: PKP2 (plakophilin 2; minus strand). Cytogenetic location: 12p11.21.
Variant type: single nucleotide variant.
Coding change: c.1379-1989C>A on transcript NM_001005242.3 (MANE Select); 1989 bases into the intron before coding-DNA position 1379, C replaced by A.
Molecular consequence: intron variant. On other transcripts: missense variant (2).
Genome position (GRCh38, 1-based): chr12:32,843,194, G>T on the plus strand (C>A on the coding strand, the complement: PKP2 is on the minus strand). VCF-style: chr12-32843194-G-T. GRCh37 (hg19) VCF-style: chr12-32996128-G-T.
Other names: c.1498C>A, p.Pro500Thr (NM_001407157.1, NM_004572.4); c.1379-1989C>A (NM_001407156.1, NM_001407155.1, NM_001407161.1); c.1052-1989C>A (NM_001407160.1, NM_001407159.1, NM_001407158.1 and 1 more transcripts); short protein forms P500T.
Identifiers: ClinVar variation 2774094 (VCV002774094.4), dbSNP rs778406619, ClinGen allele CA384368574.